The following is an entry in ClinVar:

NM_000017.4(ACADS):c.86A>G (p.Tyr29Cys)

Gene: ACADS (acyl-CoA dehydrogenase short chain; plus strand). Cytogenetic location: 12q24.31.
Variant type: single nucleotide variant.
Coding change: c.86A>G on transcript NM_000017.4 (MANE Select); coding-DNA position 86, A replaced by G.
Protein change: p.Tyr29Cys; replaces tyrosine 29 with cysteine.
Molecular consequence: missense variant.
Genome position (GRCh38, 1-based): chr12:120,727,065, A>G. VCF-style: chr12-120727065-A-G. GRCh37 (hg19) VCF-style: chr12-121164868-A-G.
Other names: c.86A>G, p.Tyr29Cys (NM_001302554.2); short protein forms Y29C.
Identifiers: ClinVar variation 2172644 (VCV002172644.4), dbSNP rs2501155385, ClinGen allele CA386612859.

ClinVar aggregate classification (germline): Uncertain significance (1 of 4 stars; one submission).

Conditions:
Deficiency of butyryl-CoA dehydrogenase (ACADSD). Also called: SCAD DEFICIENCY, MILD; ACYL-CoA DEHYDROGENASE, SHORT-CHAIN, DEFICIENCY OF; SCAD Deficiency; ACADS DEFICIENCY; Short-Chain Acyl-CoA Dehydrogenase Deficiency; SCADH DEFICIENCY. Identifiers: Orphanet 26792, MedGen C0342783, MONDO:0008722, OMIM 201470. Disease mechanism: May be benign.

Allele frequency attached by ClinVar (database versions not stated): gnomAD exomes 0.00001.
gnomAD v4.1: 3 of 1,614,052 alleles (0.00019%); highest among the groups gnomAD compares: East Asian, 0.0022%; no homozygotes.

Submission:

Labcorp Genetics (formerly Invitae), Labcorp
Classification: Uncertain significance for Deficiency of butyryl-CoA dehydrogenase. Last evaluated: 2022-06-15. Review status: criteria provided, single submitter. Criteria: Invitae Variant Classification Sherloc (09022015). Collection method: clinical testing. Allele origin: germline.
Comment: In summary, the available evidence is currently insufficient to determine the role of this variant in disease. Therefore, it has been classified as a Variant of Uncertain Significance. Algorithms developed to predict the effect of missense changes on protein structure and function are either unavailable or do not agree on the potential impact of this missense change (SIFT: "Deleterious"; PolyPhen-2: "Possibly Damaging"; Align-GVGD: "Class C0"). This variant has not been reported in the literature in individuals affected with ACADS-related conditions. This variant is not present in population databases (gnomAD no frequency). This sequence change replaces tyrosine, which is neutral and polar, with cysteine, which is neutral and slightly polar, at codon 29 of the ACADS protein (p.Tyr29Cys).